The following is an entry in ClinVar:

ClinVar aggregate classification (germline): Uncertain significance. Review status: criteria provided, multiple submitters, no conflicts (2 of 4 stars). 3 submissions from 3 submitters: Uncertain significance (3). Last evaluated 2025-06-02.

Conditions:
Hereditary cancer-predisposing syndrome. Also called: Hereditary neoplastic syndrome; Neoplastic Syndromes, Hereditary; Tumor predisposition; Hereditary Cancer Syndrome. Identifiers: Orphanet 140162, MedGen C0027672, MeSH D009386, MONDO:0015356.
Fanconi anemia complementation group O. Also called: RAD51C-Related Fanconi Anemia. Identifiers: Orphanet 84, MedGen C3150653, MONDO:0013248, OMIM 613390.

Submissions (3):

Ambry Genetics
Classification: Uncertain significance for Hereditary cancer-predisposing syndrome. Last evaluated: 2025-06-02. Review status: criteria provided, single submitter. Criteria: Ambry Variant Classification Scheme 2023. Collection method: clinical testing. Allele origin: germline.
Comment: The c.189_191delTAT variant (also known as p.I64del) is located in coding exon 2 of the RAD51C gene. This variant results from an in-frame deletion of three nucelotides between nucleotide positions 189 and 191. The isoleucine at codon 64 is deleted. This amino acid position is not well conserved in available vertebrate species. In addition, this alteration is predicted to be deleterious by in silico analysis (Choi Y et al. PLoS ONE. 2012; 7(10):e46688). Since supporting evidence is limited at this time, the clinical significance of this alteration remains unclear.

Labcorp Genetics (formerly Invitae), Labcorp
Classification: Uncertain significance for Fanconi anemia complementation group O. Last evaluated: 2025-01-11. Review status: criteria provided, single submitter. Criteria: Invitae Variant Classification Sherloc (09022015). Collection method: clinical testing. Allele origin: germline.
Comment: This variant, c.189_191del, results in the deletion of 1 amino acid(s) of the RAD51C protein (p.Ile64del), but otherwise preserves the integrity of the reading frame. This variant is not present in population databases (gnomAD no frequency). This variant has not been reported in the literature in individuals affected with RAD51C-related conditions. ClinVar contains an entry for this variant (Variation ID: 484737). Experimental studies and prediction algorithms are not available or were not evaluated, and the functional significance of this variant is currently unknown. In summary, the available evidence is currently insufficient to determine the role of this variant in disease. Therefore, it has been classified as a Variant of Uncertain Significance.

Color Diagnostics, LLC DBA Color Health
Classification: Uncertain significance for Hereditary cancer-predisposing syndrome. Last evaluated: 2019-04-03. Review status: criteria provided, single submitter. Criteria: ACMG Guidelines, 2015. Collection method: clinical testing. Allele origin: germline.

NM_058216.3(RAD51C):c.189_191del (p.Ile64del)

Gene: RAD51C (RAD51 paralog C; plus strand). Cytogenetic location: 17q22.
Variant type: Deletion.
Coding change: c.189_191del on transcript NM_058216.3 (MANE Select); coding-DNA positions 189 to 191, 3 bases deleted (TAT; older notation c.189_191delTAT).
Protein change: p.Ile64del; deletes isoleucine 64.
Molecular consequence: inframe deletion. On other transcripts: non-coding transcript variant (2).
Genome position (GRCh38, 1-based): chr17:58,694,974-58,694,976, TAT deleted; deleting any 3 consecutive bases within chr17:58,694,972-58,694,976 gives the same sequence; the c. name uses the placement nearest the transcript's 3' end. VCF-style (leftmost placement, unchanged base first): chr17-58694971-AATT-A. GRCh37 (hg19) VCF-style: chr17-56772332-AATT-A.
Other names: c.189_191del (NM_058216.2); c.189_191del, p.Ile64del (NM_002876.4); short protein forms I64del.
Identifiers: ClinVar variation 484737 (VCV000484737.12), dbSNP rs1555593498, ClinGen allele CA658658636.